The following is an entry in ClinVar:

ClinVar aggregate classification (germline): Uncertain significance (1 of 4 stars; one submission).

Conditions:
Hereditary cancer-predisposing syndrome. Also called: Hereditary Cancer Syndrome; Hereditary neoplastic syndrome; Tumor predisposition; Neoplastic Syndromes, Hereditary. Identifiers: Orphanet 140162, MedGen C0027672, MeSH D009386, MONDO:0015356.

Allele frequency attached by ClinVar (database versions not stated): gnomAD exomes below 0.00001.
gnomAD v4.1: 3 of 1,614,058 alleles (0.00019%); highest among the groups gnomAD compares: Non-Finnish European, 0.00025%; no homozygotes.

Submission:

Ambry Genetics
Classification: Uncertain significance for Hereditary cancer-predisposing syndrome. Last evaluated: 2024-06-04. Review status: criteria provided, single submitter. Criteria: Ambry Variant Classification Scheme 2023. Collection method: clinical testing. Allele origin: germline.
Comment: The p.H82Q variant (also known as c.246T>A), located in coding exon 1 of the GREM1 gene, results from a T to A substitution at nucleotide position 246. The histidine at codon 82 is replaced by glutamine, an amino acid with highly similar properties. This amino acid position is conserved. In addition, the in silico prediction for this alteration is inconclusive. Since supporting evidence is limited at this time, the clinical significance of this alteration remains unclear.

NM_013372.7(GREM1):c.246T>A (p.His82Gln)

Gene: GREM1 (gremlin 1, DAN family BMP antagonist; plus strand). Cytogenetic location: 15q13.3.
Variant type: single nucleotide variant.
Coding change: c.246T>A on transcript NM_013372.7 (MANE Select); coding-DNA position 246, T replaced by A.
Protein change: p.His82Gln; replaces histidine 82 with glutamine.
Molecular consequence: missense variant.
Genome position (GRCh38, 1-based): chr15:32,730,936, T>A. VCF-style: chr15-32730936-T-A. GRCh37 (hg19) VCF-style: chr15-33023137-T-A.
Other names: c.36T>A, p.His12Gln (NM_001191322.2); c.123T>A, p.His41Gln (NM_001191323.2); c.246T>A, p.His82Gln (NM_001368719.1); short protein forms H12Q, H41Q, H82Q.
Identifiers: ClinVar variation 1791767 (VCV001791767.3), dbSNP rs2548707687, ClinGen allele CA391557507.